The following is an entry in ClinVar:

ClinVar aggregate classification (germline): Uncertain significance (1 of 4 stars; one submission).

Conditions:
Bardet-Biedl syndrome (BBS). Identifiers: Orphanet 110, MedGen C0752166, MONDO:0015229.

Allele frequency attached by ClinVar (database versions not stated): TOPMed below 0.00001; gnomAD 0.00001.
gnomAD v4.1: 2 of 1,562,406 alleles (0.00013%); highest among the groups gnomAD compares: Non-Finnish European, 0.00017%; no homozygotes.

Submission:

Labcorp Genetics (formerly Invitae), Labcorp
Classification: Uncertain significance for Bardet-Biedl syndrome. Last evaluated: 2024-10-24. Review status: criteria provided, single submitter. Criteria: Invitae Variant Classification Sherloc (09022015). Collection method: clinical testing. Allele origin: germline.
Comment: This sequence change replaces aspartic acid, which is acidic and polar, with valine, which is neutral and non-polar, at codon 215 of the BBS9 protein (p.Asp215Val). This variant is not present in population databases (gnomAD no frequency). This variant has not been reported in the literature in individuals affected with BBS9-related conditions. ClinVar contains an entry for this variant (Variation ID: 1978493). Invitae Evidence Modeling of protein sequence and biophysical properties (such as structural, functional, and spatial information, amino acid conservation, physicochemical variation, residue mobility, and thermodynamic stability) indicates that this missense variant is expected to disrupt BBS9 protein function with a positive predictive value of 80%. In summary, the available evidence is currently insufficient to determine the role of this variant in disease. Therefore, it has been classified as a Variant of Uncertain Significance.

NM_198428.3(BBS9):c.644A>T (p.Asp215Val)

Gene: BBS9 (Bardet-Biedl syndrome 9; plus strand). Cytogenetic location: 7p14.3.
Variant type: single nucleotide variant.
Coding change: c.644A>T on transcript NM_198428.3 (MANE Select); coding-DNA position 644, A replaced by T.
Protein change: p.Asp215Val; replaces aspartic acid 215 with valine.
Molecular consequence: missense variant. On other transcripts: non-coding transcript variant (3).
Genome position (GRCh38, 1-based): chr7:33,264,316, A>T. VCF-style: chr7-33264316-A-T. GRCh37 (hg19) VCF-style: chr7-33303928-A-T.
Other names: c.644A>T, p.Asp215Val (NM_001033604.2, NM_001033605.2, NM_001348036.1 and 7 more transcripts); c.278A>T, p.Asp93Val (NM_001348037.3, NM_001348044.3, NM_001348045.3 and 1 more transcripts); c.371A>T, p.Asp124Val (NM_001348038.3, NM_001348039.3); c.509A>T, p.Asp170Val (NM_001348042.3); short protein forms D215V, D124V, D93V, D170V.
Identifiers: ClinVar variation 1978493 (VCV001978493.4), dbSNP rs1427785353, ClinGen allele CA367253476.